The following is an entry in ClinVar:

NM_002890.3(RASA1):c.539+2T>G

Gene: RASA1 (RAS p21 protein activator 1; plus strand). Cytogenetic location: 5q14.3.
Variant type: single nucleotide variant.
Coding change: c.539+2T>G on transcript NM_002890.3 (MANE Select); the canonical splice donor site of the intron after coding-DNA position 539, T replaced by G.
Molecular consequence: splice donor variant. On other transcripts: 5 prime UTR variant (1).
Genome position (GRCh38, 1-based): chr5:87,268,992, T>G. VCF-style: chr5-87268992-T-G. GRCh37 (hg19) VCF-style: chr5-86564809-T-G.
Other names: c.-56T>G (NM_022650.3).
Identifiers: ClinVar variation 2805701 (VCV002805701.3), dbSNP rs2531003856, ClinGen allele CA360417607.

ClinVar aggregate classification (germline): Likely pathogenic (1 of 4 stars; one submission).

Conditions:
Capillary malformation-arteriovenous malformation syndrome. Also called: Capillary malformation-arteriovenous malformation. Identifiers: Orphanet 137667, MedGen C1842180, MONDO:0012016.

Submission:

Labcorp Genetics (formerly Invitae), Labcorp
Classification: Likely pathogenic for Capillary malformation-arteriovenous malformation syndrome. Last evaluated: 2023-09-11. Review status: criteria provided, single submitter. Criteria: Invitae Variant Classification Sherloc (09022015). Collection method: clinical testing. Allele origin: germline.
Comment: This variant has not been reported in the literature in individuals affected with RASA1-related conditions. In summary, the currently available evidence indicates that the variant is pathogenic, but additional data are needed to prove that conclusively. Therefore, this variant has been classified as Likely Pathogenic. Algorithms developed to predict the effect of sequence changes on RNA splicing suggest that this variant may disrupt the consensus splice site. This variant is not present in population databases (gnomAD no frequency). This sequence change affects a donor splice site in intron 1 of the RASA1 gene. It is expected to disrupt RNA splicing. Variants that disrupt the donor or acceptor splice site typically lead to a loss of protein function (PMID: 16199547), and loss-of-function variants in RASA1 are known to be pathogenic (PMID: 24038909).

Literature cited by the submitters: PubMed 16199547; PubMed 24038909.